The following is an entry in ClinVar:

NM_006260.5(DNAJC3):c.385A>G (p.Lys129Glu)

Gene: DNAJC3 (DnaJ heat shock protein family (Hsp40) member C3; plus strand). Cytogenetic location: 13q32.1.
Variant type: single nucleotide variant.
Coding change: c.385A>G on transcript NM_006260.5 (MANE Select); coding-DNA position 385, A replaced by G.
Protein change: p.Lys129Glu; replaces lysine 129 with glutamic acid.
Molecular consequence: missense variant.
Genome position (GRCh38, 1-based): chr13:95,725,244, A>G. VCF-style: chr13-95725244-A-G. GRCh37 (hg19) VCF-style: chr13-96377498-A-G.
Other names: short protein forms K129E.
Identifiers: ClinVar variation 4981287 (VCV004981287.1).

ClinVar aggregate classification (germline): Uncertain significance (1 of 4 stars; one submission).

Conditions:
DNAJC3-related disorder. Also called: DNAJC3-related condition.

gnomAD v4.1: 24 of 1,593,814 alleles (0.0015%); highest among the groups gnomAD compares: Non-Finnish European, 0.002%; no homozygotes.

Submission:

PreventionGenetics, part of Exact Sciences
Classification: Uncertain significance for DNAJC3-related condition. Last evaluated: 2025-06-17. Review status: criteria provided, single submitter. Criteria: ACMG Guidelines, 2015. Collection method: clinical testing. Allele origin: germline.
Comment: The DNAJC3 c.385A>G variant is predicted to result in the amino acid substitution p.Lys129Glu. To our knowledge, this variant has not been reported in the literature. This variant is reported in 0.0027% of alleles in individuals of European (Non-Finnish) descent in gnomAD. At this time, the clinical significance of this variant is uncertain due to the absence of conclusive functional and genetic evidence.